The following is an entry in ClinVar:

ClinVar aggregate classification (germline): Uncertain significance (1 of 4 stars; one submission).

Submission:

GeneDx
Classification: Uncertain significance. Last evaluated: 2023-01-26. Review status: criteria provided, single submitter. Criteria: GeneDx Variant Classification Process June 2021. Collection method: clinical testing. Allele origin: germline. Affected: yes.
Comment: Not observed at significant frequency in large population cohorts (gnomAD); In silico analysis supports that this missense variant does not alter protein structure/function; Has not been previously published as pathogenic or benign to our knowledge

NM_004370.6(COL12A1):c.3527C>T (p.Thr1176Ile)

Gene: COL12A1 (collagen type XII alpha 1 chain; minus strand). Cytogenetic location: 6q13.
Variant type: single nucleotide variant.
Coding change: c.3527C>T on transcript NM_004370.6 (MANE Select); coding-DNA position 3527, C replaced by T.
Protein change: p.Thr1176Ile; replaces threonine 1176 with isoleucine.
Molecular consequence: missense variant. On other transcripts: intron variant (1).
Genome position (GRCh38, 1-based): chr6:75,154,454, G>A on the plus strand (C>T on the coding strand, the complement: COL12A1 is on the minus strand). VCF-style: chr6-75154454-G-A. GRCh37 (hg19) VCF-style: chr6-75864170-G-A.
Other names: c.74-1972C>T (NM_080645.3); short protein forms T1176I.
Identifiers: ClinVar variation 2574244 (VCV002574244.1), dbSNP rs1003693918, ClinGen allele CA364751195.
Genomic context (GRCh38, chr6:75,154,454, plus strand): 5'-GGAATGTAACTCAATTTCTTACCAGAAGATAAAATTGGCATAACAGTTGTGTCGGAAAGG[G>A]TTGTCATTTCTTGTCCAACAAGTGGTGAGCTTTCTCCTCCATCAAACATTCCAAAAACAT-3'
Protein context (NP_004361.3, residues 1166-1186): SSPLVGQEMT[Thr1176Ile]LSDTTVMPIL